The following is an entry in ClinVar:

NM_021815.5(SLC5A7):c.1553T>C (p.Val518Ala)

Gene: SLC5A7 (solute carrier family 5 member 7; plus strand). Cytogenetic location: 2q12.3.
Variant type: single nucleotide variant.
Coding change: c.1553T>C on transcript NM_021815.5 (MANE Select); coding-DNA position 1553, T replaced by C.
Protein change: p.Val518Ala; replaces valine 518 with alanine.
Molecular consequence: missense variant.
Genome position (GRCh38, 1-based): chr2:108,010,671, T>C. VCF-style: chr2-108010671-T-C. GRCh37 (hg19) VCF-style: chr2-108627127-T-C.
Other names: c.1553T>C, p.Val518Ala (NM_001305005.3); c.1238T>C, p.Val413Ala (NM_001305006.3); c.812T>C, p.Val271Ala (NM_001305007.3); short protein forms V518A, V413A, V271A.
Identifiers: ClinVar variation 570904 (VCV000570904.6), dbSNP rs1558872967, ClinGen allele CA348114830.

ClinVar aggregate classification (germline): Uncertain significance (1 of 4 stars; one submission).

Conditions:
Neuronopathy, distal hereditary motor, type 7A. Also called: SPINAL MUSCULAR ATROPHY, DISTAL, WITH VOCAL CORD PARALYSIS; Neuronopathy, distal hereditary motor, type viia; HARPER-YOUNG MYOPATHY; HMN VIIA; NEURONOPATHY, DISTAL HEREDITARY MOTOR, HARDING TYPE VIIA; NEUROPATHY, DISTAL HEREDITARY MOTOR, HARDING TYPE VIIA. Identifiers: Orphanet 139589, MedGen C1834703, MONDO:0008024, OMIM 158580.
Congenital myasthenic syndrome 20. Also called: Myasthenic syndrome, congenital, 20, presynaptic. Identifiers: MedGen C4310694, MONDO:0014939, OMIM 617143.

Submission:

Labcorp Genetics (formerly Invitae), Labcorp
Classification: Uncertain significance for Neuronopathy, distal hereditary motor, type 7A; Congenital myasthenic syndrome 20. Last evaluated: 2018-04-01. Review status: criteria provided, single submitter. Criteria: Invitae Variant Classification Sherloc (09022015). Collection method: clinical testing. Allele origin: germline.
Comment: This sequence change replaces valine with alanine at codon 518 of the SLC5A7 protein (p.Val518Ala). The valine residue is highly conserved and there is a small physicochemical difference between valine and alanine. This variant is not present in population databases (ExAC no frequency). This variant has not been reported in the literature in individuals with SLC5A7-related disease. Algorithms developed to predict the effect of missense changes on protein structure and function do not agree on the potential impact of this missense change (SIFT: "Deleterious"; PolyPhen-2: "Benign"; Align-GVGD: "Class C55"). In summary, the available evidence is currently insufficient to determine the role of this variant in disease. Therefore, it has been classified as a Variant of Uncertain Significance.